The following is an entry in ClinVar:

ClinVar aggregate classification (germline): Uncertain significance. Review status: reviewed by expert panel (3 of 4 stars). 4 submissions from 4 submitters: Uncertain significance (1). 3 of the submissions do not count toward it. Last evaluated 2026-05-05.

Conditions:
Severe early-childhood-onset retinal dystrophy (STGD1). Also called: Stargardt macular dystrophy; Juvenile onset macular degeneration; Stargardt disease 1; MACULAR DYSTROPHY WITH FLECKS, TYPE 1; STGD. Identifiers: Orphanet 364055, Orphanet 827, MedGen C1855465, MeSH D000080362, MONDO:0009549, OMIM 248200.
Retinitis pigmentosa 19 (RP19). Also called: ABCA4-Related Retinitis Pigmentosa. Identifiers: Orphanet 791, MedGen C1866422, MONDO:0011137, OMIM 601718.
Cone-rod dystrophy 3 (CORD3). Identifiers: Orphanet 1872, MedGen C1858806, MONDO:0011395, OMIM 604116.
Age related macular degeneration 2. Also called: MACULAR DEGENERATION, SENILE; MACULOPATHY, AGE-RELATED, 2; MACULOPATHY, AGE-RELATED. Identifiers: MedGen C3495438, MONDO:0007932, OMIM 153800.
Retinitis pigmentosa (RP). Identifiers: Orphanet 791, MedGen C0035334, MeSH D012174, MONDO:0019200, OMIM 268000. Inheritance: Autosomal dominant, autosomal recessive and X linked inheritance.
ABCA4-related retinopathy. Also called: ABCA4 retinoapthy; ABCA4-related retinoapthy. Identifiers: MedGen CN322612, MONDO:0800406.

Allele frequency attached by ClinVar (database versions not stated): gnomAD exomes 0.00001; TOPMed 0.00001.
gnomAD v4.1: 3 of 1,614,214 alleles (0.00019%); highest among the groups gnomAD compares: Admixed American, 0.005%; no homozygotes.

Submissions (4):

ClinGen ABCA4 Variant Curation Expert Panel, Clingen
Classification: Uncertain significance for ABCA4-related retinopathy. Last evaluated: 2026-05-05. Review status: reviewed by expert panel. Criteria: ClinGen ABCA4 ACMG Specifications V1.0.0. Collection method: curation. Allele origin: germline. Inheritance: Autosomal recessive inheritance.
Comment: The NM_000350.3(ABCA4):c.5383T>G variant in ABCA4 is a missense variant predicted to cause substitution of leucine by valine at amino acid 1795 (p. Leu1795Val). The total minor allele frequency in gnomAD v4.1.0 is 0.000002052 (3/1461876 alleles), which is lower than the ClinGen ABCA4 VCEP’s threshold for PM2_Supporting (<0.0001). The computational predictor REVEL gives a score of 0.663 which is in the range of 0.644-0.772 meeting PP3. Another missense variant, c.5384T>C; p.Leu1795Ser, in the same codon has been classified as likely pathogenic for ABCA4-related retinopathy by the ClinGen ABCA4 VCEP meeting PM5_Supporting. In summary, this variant meets the criteria to be classified as a variant of uncertain significance for ABCA4-related retinopathy based on the ACMG/AMP criteria applied, as specified by the ClinGen ABCA4 VCEP specification version 1.0.0: PM2_Supporting, PP3, PM5_Supporting.

Labcorp Genetics (formerly Invitae), Labcorp
Classification: Likely pathogenic. Last evaluated: 2025-05-05. Review status: criteria provided, single submitter. Criteria: Invitae Variant Classification Sherloc (09022015). Collection method: clinical testing. Allele origin: germline. Not counted in ClinVar's aggregate classification.
Comment: This sequence change replaces leucine, which is neutral and non-polar, with valine, which is neutral and non-polar, at codon 1795 of the ABCA4 protein (p.Leu1795Val). This variant is present in population databases (no rsID available, gnomAD 0.006%). This missense change has been observed in individual(s) with cone-rod dystrophy (PMID: 30902645). ClinVar contains an entry for this variant (Variation ID: 839263). Invitae Evidence Modeling of protein sequence and biophysical properties (such as structural, functional, and spatial information, amino acid conservation, physicochemical variation, residue mobility, and thermodynamic stability) indicates that this missense variant is expected to disrupt ABCA4 protein function with a positive predictive value of 95%. This variant disrupts the p.Leu1795 amino acid residue in ABCA4. Other variant(s) that disrupt this residue have been determined to be pathogenic (PMID: 30060493, 32619608). This suggests that this residue is clinically significant, and that variants that disrupt this residue are likely to be disease-causing. In summary, the currently available evidence indicates that the variant is pathogenic, but additional data are needed to prove that conclusively. Therefore, this variant has been classified as Likely Pathogenic.

Fulgent Genetics
Classification: Uncertain significance for Age related macular degeneration 2; Severe early-childhood-onset retinal dystrophy; Retinitis pigmentosa 19; Cone-rod dystrophy 3. Last evaluated: 2021-07-26. Review status: criteria provided, single submitter. Criteria: ACMG Guidelines, 2015. Collection method: clinical testing. Allele origin: unknown. Not counted in ClinVar's aggregate classification.

Department of Genetics, Fundacion Jimenez Diaz University Hospital
Classification: Uncertain significance for Retinitis pigmentosa. Review status: criteria provided, single submitter. Criteria: ACMG Guidelines, 2015. Collection method: clinical testing. Allele origin: unknown. Affected: yes. Not counted in ClinVar's aggregate classification.
Comment: This variant is present in population databases (rs1188515677, gnomAD_exomes 0.008%), predicted deleterious by in-silico pathogenicity predictors. (ACMG: PM2 Moderate; PP3 Supporting)

Literature cited by the submitters: PubMed 30902645 (cited by Labcorp Genetics (formerly Invitae), Labcorp); PubMed 30060493 (cited by Labcorp Genetics (formerly Invitae), Labcorp); PubMed 32619608 (cited by Labcorp Genetics (formerly Invitae), Labcorp).

NM_000350.3(ABCA4):c.5383T>G (p.Leu1795Val)

Gene: ABCA4 (ATP binding cassette subfamily A member 4; minus strand). Cytogenetic location: 1p22.1.
Variant type: single nucleotide variant.
Coding change: c.5383T>G on transcript NM_000350.3 (MANE Select); coding-DNA position 5383, T replaced by G.
Protein change: p.Leu1795Val; replaces leucine 1795 with valine.
Molecular consequence: missense variant.
Genome position (GRCh38, 1-based): chr1:94,014,620, A>C on the plus strand (T>G on the coding strand, the complement: ABCA4 is on the minus strand). VCF-style: chr1-94014620-A-C. GRCh37 (hg19) VCF-style: chr1-94480176-A-C.
Other names: NM_000350.3(ABCA4):c.5383T>G; p.Leu1795Val; c.5161T>G, p.Leu1721Val (NM_001425324.1); short protein forms L1795V, L1721V.
Identifiers: ClinVar variation 839263 (VCV000839263.13), dbSNP rs1188515677, ClinGen allele CA341281392.